The following is an entry in ClinVar:

NM_001211.6(BUB1B):c.385G>C (p.Gly129Arg)

Gene: BUB1B (BUB1 mitotic checkpoint serine/threonine kinase B; plus strand). Cytogenetic location: 15q15.1.
Variant type: single nucleotide variant.
Coding change: c.385G>C on transcript NM_001211.6 (MANE Select); coding-DNA position 385, G replaced by C.
Protein change: p.Gly129Arg; replaces glycine 129 with arginine.
Molecular consequence: missense variant.
Genome position (GRCh38, 1-based): chr15:40,176,477, G>C. VCF-style: chr15-40176477-G-C. GRCh37 (hg19) VCF-style: chr15-40468678-G-C.
Other names: short protein forms G129R.
Identifiers: ClinVar variation 3029686 (VCV003029686.2), dbSNP rs2084170598, ClinGen allele CA391681037.

ClinVar aggregate classification (germline): Uncertain significance (0 of 4 stars; one submission).

Conditions:
BUB1B-related disorder. Also called: BUB1B-related condition.

Allele frequency attached by ClinVar (database versions not stated): gnomAD exomes below 0.00001.
gnomAD v4.1: 1 of 1,614,002 alleles (0.000062%); highest among the groups gnomAD compares: East Asian, 0.0022%; no homozygotes.

Submission:

PreventionGenetics, part of Exact Sciences
Classification: Uncertain significance for BUB1B-related condition. Last evaluated: 2024-02-01. Review status: no assertion criteria provided. Collection method: clinical testing. Allele origin: germline.
Comment: The BUB1B c.385G>C variant is predicted to result in the amino acid substitution p.Gly129Arg. To our knowledge, this variant has not been reported in the literature or in a large population database, indicating this variant is rare. At this time, the clinical significance of this variant is uncertain due to the absence of conclusive functional and genetic evidence.